The following is an entry in ClinVar:

NM_133433.4(NIPBL):c.4321-35T>C

Gene: NIPBL (NIPBL cohesin loading factor; plus strand). Cytogenetic location: 5p13.2.
Variant type: single nucleotide variant.
Coding change: c.4321-35T>C on transcript NM_133433.4 (MANE Select); 35 bases into the intron before coding-DNA position 4321, T replaced by C.
Molecular consequence: intron variant.
Genome position (GRCh38, 1-based): chr5:37,008,588, T>C. VCF-style: chr5-37008588-T-C. GRCh37 (hg19) VCF-style: chr5-37008690-T-C.
Other names: c.4321-35T>C (NM_015384.5).
Identifiers: ClinVar variation 675683 (VCV000675683.2), dbSNP rs147490589, ClinGen allele CA3236537.
Genomic context (GRCh38, chr5:37,008,588, plus strand): 5'-TCTAAATGGCAGGTAATTTTTTAAATCACATGATATTATTTTTTGGTTTGTTTTCTATTA[T>C]AAGTTTAACTTGGAATCTTATAATTACTAAACAGGTATTCTCAAGATATGAAAAACATAG-3'

ClinVar aggregate classification (germline): Likely benign. Review status: criteria provided, multiple submitters, no conflicts (2 of 4 stars). 2 submissions from 2 submitters: Likely benign (2). Last evaluated 2018-06-16.

Allele frequency attached by ClinVar (database versions not stated): 1000 Genomes Project 0.00799; 1000 Genomes Project 30x 0.00843; TOPMed 0.01597; ExAC 0.01613; gnomAD exomes 0.01645; gnomAD 0.01677 and 0.01706; ESP Exome Variant Server 0.01748.
gnomAD v4.1: 21,947 of 1,068,478 alleles (2.1%); highest among the groups gnomAD compares: Non-Finnish European, 2.6%; 299 homozygotes.

Submissions (2):

GeneDx
Classification: Likely benign. Last evaluated: 2018-06-16. Review status: criteria provided, single submitter. Criteria: GeneDx Variant Classification (06012015). Collection method: clinical testing. Allele origin: germline. Affected: yes.
Comment: This variant is considered likely benign or benign based on one or more of the following criteria: it is a conservative change, it occurs at a poorly conserved position in the protein, it is predicted to be benign by multiple in silico algorithms, and/or has population frequency not consistent with disease.

Breakthrough Genomics
Classification: Likely benign. Review status: criteria provided, single submitter. Criteria: ACMG Guidelines, 2015. Collection method: not provided. Allele origin: germline. Inheritance: Autosomal dominant inheritance. Affected: yes.